The following is an entry in ClinVar:

ClinVar aggregate classification (germline): Uncertain significance (1 of 4 stars; one submission).

Conditions:
Progressive sclerosing poliodystrophy (MTDPS4A). Also called: Mitochondrial DNA Depletion Syndrome 4A; ALPERS PROGRESSIVE INFANTILE POLIODYSTROPHY; NEURONAL DEGENERATION OF CHILDHOOD WITH LIVER DISEASE, PROGRESSIVE; Mitochondrial DNA depletion syndrome 4A (Alpers type); Alpers Syndrome; ALPERS DIFFUSE DEGENERATION OF CEREBRAL GRAY MATTER WITH HEPATIC CIRRHOSIS. Identifiers: Orphanet 726, MedGen C0205710, MONDO:0008758, OMIM 203700.

Allele frequency attached by ClinVar (database versions not stated): gnomAD exomes below 0.00001; TOPMed below 0.00001.
gnomAD v4.1: 1 of 1,614,112 alleles (0.000062%); highest among the groups gnomAD compares: Non-Finnish European, 0.000085%; no homozygotes.

Submission:

Labcorp Genetics (formerly Invitae), Labcorp
Classification: Uncertain significance for Progressive sclerosing poliodystrophy. Last evaluated: 2024-01-19. Review status: criteria provided, single submitter. Criteria: Invitae Variant Classification Sherloc (09022015). Collection method: clinical testing. Allele origin: germline.
Comment: This sequence change replaces methionine, which is neutral and non-polar, with threonine, which is neutral and polar, at codon 812 of the POLG protein (p.Met812Thr). This variant is not present in population databases (gnomAD no frequency). This variant has not been reported in the literature in individuals affected with POLG-related conditions. ClinVar contains an entry for this variant (Variation ID: 1999905). Advanced modeling of protein sequence and biophysical properties (such as structural, functional, and spatial information, amino acid conservation, physicochemical variation, residue mobility, and thermodynamic stability) performed at Invitae indicates that this missense variant is expected to disrupt POLG protein function with a positive predictive value of 95%. In summary, the available evidence is currently insufficient to determine the role of this variant in disease. Therefore, it has been classified as a Variant of Uncertain Significance.

NM_002693.3(POLG):c.2435T>C (p.Met812Thr)

Gene: POLG (DNA polymerase gamma, catalytic subunit; minus strand). Cytogenetic location: 15q26.1.
Variant type: single nucleotide variant.
Coding change: c.2435T>C on transcript NM_002693.3 (MANE Select); coding-DNA position 2435, T replaced by C.
Protein change: p.Met812Thr; replaces methionine 812 with threonine.
Molecular consequence: missense variant.
Genome position (GRCh38, 1-based): chr15:89,322,007, A>G on the plus strand (T>C on the coding strand, the complement: POLG is on the minus strand). VCF-style: chr15-89322007-A-G. GRCh37 (hg19) VCF-style: chr15-89865238-A-G.
Other names: c.2435T>C, p.Met812Thr (NM_001126131.2); short protein forms M812T.
Identifiers: ClinVar variation 1999905 (VCV001999905.4), dbSNP rs1450473418, ClinGen allele CA393755008.